The following is an entry in ClinVar:

ClinVar aggregate classification (germline): Benign/Likely benign. Review status: criteria provided, multiple submitters, no conflicts (2 of 4 stars). 8 submissions from 8 submitters: Benign (4); Likely benign (4). Last evaluated 2026-09-01.

Conditions:
Familial sleep-related hypermotor epilepsy. Also called: Autosomal Dominant Sleep-Related Hypermotor (Hyperkinetic) Epilepsy. Identifiers: Orphanet 98784, MedGen C3696898, MONDO:0000030.
Inborn genetic diseases. Identifiers: MedGen C0950123, MeSH D030342.
Autosomal dominant nocturnal frontal lobe epilepsy 1. Also called: CHRNA4-Related Nocturnal Frontal Lobe Epilepsy, Autosomal Dominant; EPILEPSY, NOCTURNAL FRONTAL LOBE, TYPE 1. Identifiers: Orphanet 98784, MedGen C1838049, MONDO:0010899, OMIM 600513.
Tobacco addiction, susceptibility to. Also called: CIGARETTE HABITUATION, SUSCEPTIBILITY TO. Identifiers: MedGen C1861063, MONDO:0100460, OMIM 188890.

Allele frequency attached by ClinVar (database versions not stated): 1000 Genomes Project 0.00160; 1000 Genomes Project 30x 0.00172; gnomAD exomes 0.00216; TOPMed 0.00241; gnomAD 0.00255 and 0.00262; ESP Exome Variant Server 0.00445; ExAC 0.00446.

Submissions (8):

CeGaT Center for Human Genetics Tuebingen
Classification: Likely benign. Last evaluated: 2026-09-01. Review status: criteria provided, single submitter. Criteria: CeGaT Center For Human Genetics Tuebingen Variant Classification Criteria Version 2. Collection method: clinical testing. Allele origin: germline. Affected: yes. Observed: 11 variant alleles.
Comment: CHRNA4: BP4, BP7, BS2

Labcorp Genetics (formerly Invitae), Labcorp
Classification: Benign. Last evaluated: 2026-02-02. Review status: criteria provided, single submitter. Criteria: Invitae Variant Classification Sherloc (09022015). Collection method: clinical testing. Allele origin: germline.

Blueprint Genetics
Classification: Likely benign. Last evaluated: 2024-11-28. Review status: criteria provided, single submitter. Criteria: ACMG Guidelines, 2015. Collection method: clinical testing. Allele origin: germline.

Fulgent Genetics
Classification: Likely benign for Tobacco addiction, susceptibility to; Autosomal dominant nocturnal frontal lobe epilepsy 1. Last evaluated: 2021-10-05. Review status: criteria provided, single submitter. Criteria: ACMG Guidelines, 2015. Collection method: clinical testing. Allele origin: unknown.

Athena Diagnostics
Classification: Benign. Last evaluated: 2019-10-03. Review status: criteria provided, single submitter. Criteria: Athena Diagnostics Criteria. Collection method: clinical testing. Allele origin: unknown.

Ambry Genetics
Classification: Likely benign for Inborn genetic diseases. Last evaluated: 2016-04-29. Review status: criteria provided, single submitter. Criteria: Ambry Variant Classification Scheme 2023. Collection method: clinical testing. Allele origin: germline.

Eurofins Ntd Llc (ga)
Classification: Benign. Last evaluated: 2013-08-12. Review status: criteria provided, single submitter. Criteria: EGL Classification Definitions 2015. Collection method: clinical testing. Allele origin: germline. Observed: 1 variant allele, 1 heterozygote.

GeneDx
Classification: Benign. Last evaluated: 2013-03-01. Review status: criteria provided, single submitter. Criteria: GeneDx Variant Classification (06012015). Collection method: clinical testing. Allele origin: germline. Affected: yes.
Comment: This variant is considered likely benign or benign based on one or more of the following criteria: it is a conservative change, it occurs at a poorly conserved position in the protein, it is predicted to be benign by multiple in silico algorithms, and/or has population frequency not consistent with disease.

Literature cited by the submitters: PubMed 21683344 (cited by Athena Diagnostics); PubMed 19628475 (cited by Athena Diagnostics).

NM_000744.7(CHRNA4):c.1401C>T (p.Ser467=)

Gene: CHRNA4 (cholinergic receptor nicotinic alpha 4 subunit; minus strand). Cytogenetic location: 20q13.33.
Variant type: single nucleotide variant.
Coding change: c.1401C>T on transcript NM_000744.7 (MANE Select); coding-DNA position 1401, C replaced by T.
Protein change: p.Ser467=; no amino-acid change (serine 467 retained).
Molecular consequence: synonymous variant. On other transcripts: non-coding transcript variant (1).
Genome position (GRCh38, 1-based): chr20:63,350,010, G>A on the plus strand (C>T on the coding strand, the complement: CHRNA4 is on the minus strand). VCF-style: chr20-63350010-G-A. GRCh37 (hg19) VCF-style: chr20-61981362-G-A.
Other names: p.S467S:AGC>AGT; c.873C>T, p.Ser291= (NM_001256573.2).
Identifiers: ClinVar variation 93426 (VCV000093426.48), dbSNP rs45569837, ClinGen allele CA285408.